The following is an entry in ClinVar:

ClinVar aggregate classification (germline): Uncertain significance (0 of 4 stars; one submission).

Conditions:
SPTAN1-related disorder. Also called: SPTAN1-related disorders; SPTAN1-related condition.

gnomAD v4.1: 1 of 1,614,186 alleles (0.000062%); highest among the groups gnomAD compares: Admixed American, 0.0017%; no homozygotes.

Submission:

PreventionGenetics, part of Exact Sciences
Classification: Uncertain significance for SPTAN1-related condition. Last evaluated: 2024-07-26. Review status: no assertion criteria provided. Collection method: clinical testing. Allele origin: germline.
Comment: The SPTAN1 c.6246G>T variant is predicted to result in the amino acid substitution p.Lys2082Asn. To our knowledge, this variant has not been reported in the literature. This variant is reported in 0.0029% of alleles in individuals of Latino descent in gnomAD. At this time, the clinical significance of this variant is uncertain due to the absence of conclusive functional and genetic evidence.

NM_001130438.3(SPTAN1):c.6246G>T (p.Lys2082Asn)

Gene: SPTAN1 (spectrin alpha, non-erythrocytic 1; plus strand). Cytogenetic location: 9q34.11.
Variant type: single nucleotide variant.
Coding change: c.6246G>T on transcript NM_001130438.3 (MANE Select); coding-DNA position 6246, G replaced by T.
Protein change: p.Lys2082Asn; replaces lysine 2082 with asparagine.
Molecular consequence: missense variant.
Genome position (GRCh38, 1-based): chr9:128,625,945, G>T. VCF-style: chr9-128625945-G-T. GRCh37 (hg19) VCF-style: chr9-131388224-G-T.
Other names: c.6171G>T, p.Lys2057Asn (NM_001195532.2); c.6246G>T, p.Lys2082Asn (NM_001363759.2, NM_001375310.1, NM_001375311.2 and 1 more transcripts); c.6186G>T, p.Lys2062Asn (NM_001363765.2, NM_001375314.2); c.6282G>T, p.Lys2094Asn (NM_001375312.2, NM_001375318.1); c.6231G>T, p.Lys2077Asn (NM_003127.4); short protein forms K2057N, K2062N, K2077N, K2082N, K2094N.
Identifiers: ClinVar variation 3356774 (VCV003356774.1).